The following is an entry in ClinVar:

ClinVar aggregate classification (germline): Uncertain significance. Review status: criteria provided, multiple submitters, no conflicts (2 of 4 stars). 4 submissions from 4 submitters: Uncertain significance (4). Last evaluated 2024-12-18.

Conditions:
Nephronophthisis 13 (NPHP13). Identifiers: Orphanet 655, MedGen C3280612, MONDO:0013718, OMIM 614377.
Spermatogenic failure 72 (SPGF72). Identifiers: MedGen C5676980, MONDO:0030809, OMIM 619867.
Asphyxiating thoracic dystrophy 5 (SRTD5). Also called: SHORT-RIB THORACIC DYSPLASIA 5 WITH OR WITHOUT POLYDACTYLY; SHORT-RIB THORACIC DYSPLASIA 5 WITHOUT POLYDACTYLY. Identifiers: Orphanet 474, MedGen C3280598, MONDO:0013717, OMIM 614376.
Cranioectodermal dysplasia 4 (CED4). Identifiers: Orphanet 1515, MedGen C3280616, MONDO:0013719, OMIM 614378.
Senior-Loken syndrome 8 (SLSN8). Identifiers: Orphanet 3156, MedGen C4225376, MONDO:0014579, OMIM 616307.
Inborn genetic diseases. Identifiers: MedGen C0950123, MeSH D030342.

Allele frequency attached by ClinVar (database versions not stated): ExAC 0.00002; TOPMed 0.00003; gnomAD exomes 0.00004; gnomAD 0.00005.
gnomAD v4.1: 85 of 1,604,336 alleles (0.0053%); highest among the groups gnomAD compares: Non-Finnish European, 0.0059%; no homozygotes.

Submissions (4):

Labcorp Genetics (formerly Invitae), Labcorp
Classification: Uncertain significance for Senior-Loken syndrome 8; Asphyxiating thoracic dystrophy 5. Last evaluated: 2024-12-18. Review status: criteria provided, single submitter. Criteria: Invitae Variant Classification Sherloc (09022015). Collection method: clinical testing. Allele origin: germline.
Comment: This sequence change replaces arginine, which is basic and polar, with cysteine, which is neutral and slightly polar, at codon 1094 of the WDR19 protein (p.Arg1094Cys). This variant is present in population databases (rs757564170, gnomAD 0.01%). This variant has not been reported in the literature in individuals affected with WDR19-related conditions. ClinVar contains an entry for this variant (Variation ID: 1499256). Invitae Evidence Modeling of protein sequence and biophysical properties (such as structural, functional, and spatial information, amino acid conservation, physicochemical variation, residue mobility, and thermodynamic stability) has been performed for this missense variant. However, the output from this modeling did not meet the statistical confidence thresholds required to predict the impact of this variant on WDR19 protein function. In summary, the available evidence is currently insufficient to determine the role of this variant in disease. Therefore, it has been classified as a Variant of Uncertain Significance.

Fulgent Genetics
Classification: Uncertain significance for Asphyxiating thoracic dystrophy 5; Nephronophthisis 13; Cranioectodermal dysplasia 4; Senior-Loken syndrome 8; Spermatogenic failure 72. Last evaluated: 2024-06-03. Review status: criteria provided, single submitter. Criteria: ACMG Guidelines, 2015. Collection method: clinical testing. Allele origin: germline.

Ambry Genetics
Classification: Uncertain significance for Inborn genetic diseases. Last evaluated: 2023-10-05. Review status: criteria provided, single submitter. Criteria: Ambry Variant Classification Scheme 2023. Collection method: clinical testing. Allele origin: germline.

Blueprint Genetics
Classification: Uncertain significance. Last evaluated: 2021-09-22. Review status: criteria provided, single submitter. Criteria: ACMG Guidelines, 2015. Collection method: clinical testing. Allele origin: germline.

NM_025132.4(WDR19):c.3280C>T (p.Arg1094Cys)

Gene: WDR19 (WD repeat domain 19; plus strand). Cytogenetic location: 4p14.
Variant type: single nucleotide variant.
Coding change: c.3280C>T on transcript NM_025132.4 (MANE Select); coding-DNA position 3280, C replaced by T.
Protein change: p.Arg1094Cys; replaces arginine 1094 with cysteine.
Molecular consequence: missense variant.
Genome position (GRCh38, 1-based): chr4:39,268,013, C>T. VCF-style: chr4-39268013-C-T. GRCh37 (hg19) VCF-style: chr4-39269633-C-T.
Other names: c.2800C>T, p.Arg934Cys (NM_001317924.2); c.3280C>T (NM_025132.3); short protein forms R1094C, R934C.
Identifiers: ClinVar variation 1499256 (VCV001499256.8), dbSNP rs757564170, ClinGen allele CA2892325.